The following is an entry in ClinVar:

ClinVar aggregate classification (germline): Uncertain significance (1 of 4 stars; one submission).

gnomAD v4.1: 1 of 1,614,202 alleles (0.000062%); highest among the groups gnomAD compares: Admixed American, 0.0017%; no homozygotes.

Submission:

Labcorp Genetics (formerly Invitae), Labcorp
Classification: Uncertain significance. Last evaluated: 2025-01-27. Review status: criteria provided, single submitter. Criteria: Invitae Variant Classification Sherloc (09022015). Collection method: clinical testing. Allele origin: germline.
Comment: This sequence change replaces alanine, which is neutral and non-polar, with glycine, which is neutral and non-polar, at codon 77 of the BSND protein (p.Ala77Gly). This variant is not present in population databases (gnomAD no frequency). This variant has not been reported in the literature in individuals affected with BSND-related conditions. ClinVar contains an entry for this variant (Variation ID: 1976290). Invitae Evidence Modeling of protein sequence and biophysical properties (such as structural, functional, and spatial information, amino acid conservation, physicochemical variation, residue mobility, and thermodynamic stability) has been performed for this missense variant. However, the output from this modeling did not meet the statistical confidence thresholds required to predict the impact of this variant on BSND protein function. In summary, the available evidence is currently insufficient to determine the role of this variant in disease. Therefore, it has been classified as a Variant of Uncertain Significance.

NM_057176.3(BSND):c.230C>G (p.Ala77Gly)

Gene: BSND (barttin CLCNK type accessory subunit beta; plus strand). Cytogenetic location: 1p32.3.
Variant type: single nucleotide variant.
Coding change: c.230C>G on transcript NM_057176.3 (MANE Select); coding-DNA position 230, C replaced by G.
Protein change: p.Ala77Gly; replaces alanine 77 with glycine.
Molecular consequence: missense variant.
Genome position (GRCh38, 1-based): chr1:55,005,074, C>G. VCF-style: chr1-55005074-C-G. GRCh37 (hg19) VCF-style: chr1-55470747-C-G.
Other names: short protein forms A77G.
Identifiers: ClinVar variation 1976290 (VCV001976290.3), dbSNP rs779193838, ClinGen allele CA340471436.
Genomic context (GRCh38, chr1:55,005,074, plus strand): 5'-GCTTGCAGATCACCTTCGTCCCTGCTGACTCTGACTTTCAAGGCATCCTCTCCCCAAAGG[C>G]CATGGGCCTGCTGGAGAATGGGCTTGCTGCCGAGATGAAGAGGTAGGTGCCAGGCCCTCT-3'
Protein context (NP_476517.1, residues 67-87): SDFQGILSPK[Ala77Gly]MGLLENGLAA